The following is an entry in ClinVar:

ClinVar aggregate classification (germline): Pathogenic. Review status: criteria provided, multiple submitters, no conflicts (2 of 4 stars). 2 submissions from 2 submitters: Pathogenic (2). Last evaluated 2021-08-10.

Conditions:
Wilson disease (WND). Also called: Wilson's disease. Identifiers: Orphanet 905, MedGen C0019202, MONDO:0010200, OMIM 277900. Disease mechanism: loss of function.

Allele frequency attached by ClinVar (database versions not stated): ExAC 0.00001.
gnomAD v4.1: 2 of 1,614,196 alleles (0.00012%); highest among the groups gnomAD compares: Admixed American, 0.0033%; no homozygotes.

Submissions (2):

Genome-Nilou Lab
Classification: Pathogenic for Wilson disease. Last evaluated: 2021-08-10. Review status: criteria provided, single submitter. Criteria: ACMG Guidelines, 2015. Collection method: clinical testing. Allele origin: germline. Affected: no.

ARUP Laboratories, Molecular Genetics and Genomics, ARUP Laboratories
Classification: Pathogenic for Wilson disease. Last evaluated: 2019-01-17. Review status: criteria provided, single submitter. Criteria: ARUP Molecular Germline Variant Investigation Process. Collection method: clinical testing. Allele origin: germline.
Comment: The ATP7B c.283C>T; p.Gln95Ter variant (rs756929892) has been described in individuals affected with Wilson disease (WD; Loudianos 1996). It is observed in the general population at a low overall frequency of 0.001% (3/249316 alleles) in the Genome Aggregation Database. This variant induces an early termination codon and is predicted to result in a truncated protein or mRNA subject to nonsense-mediated decay. Additionally, several downstream truncating variants have been described in association with WD and are considered pathogenic (see link to University of Alberta database and references therein). Based on available information, the p.Gln95Ter variant is considered pathogenic. REFERENCES University of Alberta database link: Loudianos G et al. Wilson disease mutations associated with uncommon haplotypes in Mediterranean patients. Hum Genet. 1996 Dec;98(6):640-2.

NM_000053.4(ATP7B):c.283C>T (p.Gln95Ter)

Gene: ATP7B (ATPase copper transporting beta; minus strand). Cytogenetic location: 13q14.3.
Variant type: single nucleotide variant.
Coding change: c.283C>T on transcript NM_000053.4 (MANE Select); coding-DNA position 283, C replaced by T.
Protein change: p.Gln95Ter; replaces glutamine 95 with a stop codon.
Molecular consequence: nonsense.
Genome position (GRCh38, 1-based): chr13:51,974,937, G>A on the plus strand (C>T on the coding strand, the complement: ATP7B is on the minus strand). VCF-style: chr13-51974937-G-A. GRCh37 (hg19) VCF-style: chr13-52549073-G-A.
Other names: c.283C>T, p.Gln95Ter (NM_001005918.3, NM_001243182.2, NM_001330578.2 and 1 more transcripts); short protein forms Q95*.
Identifiers: ClinVar variation 811264 (VCV000811264.11), dbSNP rs756929892, ClinGen allele CA6989591.